The following is an entry in ClinVar:

NM_017617.5(NOTCH1):c.5333C>T (p.Ala1778Val)

Gene: NOTCH1 (notch receptor 1; minus strand). Cytogenetic location: 9q34.3.
Variant type: single nucleotide variant.
Coding change: c.5333C>T on transcript NM_017617.5 (MANE Select); coding-DNA position 5333, C replaced by T.
Protein change: p.Ala1778Val; replaces alanine 1778 with valine.
Molecular consequence: missense variant.
Genome position (GRCh38, 1-based): chr9:136,502,323, G>A on the plus strand (C>T on the coding strand, the complement: NOTCH1 is on the minus strand). VCF-style: chr9-136502323-G-A. GRCh37 (hg19) VCF-style: chr9-139396775-G-A.
Other names: c.5333C>T (NM_017617.3); short protein forms A1778V.
Identifiers: ClinVar variation 2163283 (VCV002163283.6), dbSNP rs1422917398, ClinGen allele CA375640500.

ClinVar aggregate classification (germline): Conflicting classifications of pathogenicity. Review status: criteria provided, conflicting classifications (1 of 4 stars). 4 submissions from 4 submitters: Uncertain significance (2); Likely benign (2). Last evaluated 2026-03-30.

Conditions:
Adams-Oliver syndrome 5 (AOS5). Identifiers: Orphanet 974, MedGen C4014970, MONDO:0014459, OMIM 616028.
Aortic valve disease 1 (AOVD1). Identifiers: MedGen C3887892, MONDO:0024523, OMIM 109730.
Familial thoracic aortic aneurysm and aortic dissection (TAAD). Also called: Thoracic aortic aneurysms and dissections. Identifiers: Orphanet 91387, MedGen C4707243, MONDO:0019625.

Allele frequency attached by ClinVar (database versions not stated): gnomAD 0.00001; TOPMed 0.00002.
gnomAD v4.1: 21 of 1,612,386 alleles (0.0013%); highest among the groups gnomAD compares: Non-Finnish European, 0.0017%; no homozygotes.

Submissions (4):

Women's Health and Genetics/Laboratory Corporation of America, LabCorp
Classification: Likely benign. Last evaluated: 2026-03-30. Review status: criteria provided, single submitter. Criteria: LabCorp Variant Classification Summary - May 2015. Collection method: clinical testing. Allele origin: germline.
Comment: Variant summary: NOTCH1 c.5333C>T (p.Ala1778Val) results in a non-conservative amino acid change in the encoded protein sequence. Algorithms developed to predict the effect of missense changes on protein structure and function are either unavailable or do not agree on the potential impact of this missense change. The variant allele was found at a frequency of 1.3e-05 in 1612386 control chromosomes. The observed variant frequency exceeds the estimated maximal expected allele frequency for disease-causing variants in NOTCH1. To our knowledge, no occurrence of c.5333C>T in individuals affected with NOTCH1-related conditions and no experimental evidence demonstrating its impact on protein function have been reported. ClinVar contains an entry for this variant (Variation ID: 2163283). Based on the evidence outlined above, the variant was classified as likely benign.

Labcorp Genetics (formerly Invitae), Labcorp
Classification: Likely benign for Adams-Oliver syndrome 5. Last evaluated: 2025-10-21. Review status: criteria provided, single submitter. Criteria: Invitae Variant Classification Sherloc (09022015). Collection method: clinical testing. Allele origin: germline.

Ambry Genetics
Classification: Uncertain significance for Familial thoracic aortic aneurysm and aortic dissection. Last evaluated: 2025-03-07. Review status: criteria provided, single submitter. Criteria: Ambry Variant Classification Scheme 2023. Collection method: clinical testing. Allele origin: germline.

Department of Pathology and Laboratory Medicine, Sinai Health System
Classification: Uncertain significance for Aortic valve disease 1; Adams-Oliver syndrome 5. Last evaluated: 2021-11-05. Review status: criteria provided, single submitter. Criteria: ACMG Guidelines, 2015. Collection method: research. Allele origin: germline.

Literature cited by the submitters: PubMed 24943832 (cited by Women's Health and Genetics/Laboratory Corporation of America, LabCorp); PubMed 16614245 (cited by Women's Health and Genetics/Laboratory Corporation of America, LabCorp); PubMed 21670202 (cited by Women's Health and Genetics/Laboratory Corporation of America, LabCorp); PubMed 22210878 (cited by Women's Health and Genetics/Laboratory Corporation of America, LabCorp); PubMed 19635999 (cited by Women's Health and Genetics/Laboratory Corporation of America, LabCorp); PubMed 26837699 (cited by Women's Health and Genetics/Laboratory Corporation of America, LabCorp); PubMed 23086750 (cited by Women's Health and Genetics/Laboratory Corporation of America, LabCorp); PubMed 19245433 (cited by Women's Health and Genetics/Laboratory Corporation of America, LabCorp); PubMed 22077063 (cited by Women's Health and Genetics/Laboratory Corporation of America, LabCorp); PubMed 15472075 (cited by Women's Health and Genetics/Laboratory Corporation of America, LabCorp); PubMed 23734977 (cited by Women's Health and Genetics/Laboratory Corporation of America, LabCorp); PubMed 22858860 (cited by Women's Health and Genetics/Laboratory Corporation of America, LabCorp).